The following is an entry in ClinVar:

ClinVar aggregate classification (germline): Uncertain significance (1 of 4 stars; one submission).

Allele frequency attached by ClinVar (database versions not stated): gnomAD exomes below 0.00001; TOPMed below 0.00001; gnomAD 0.00001; 1000 Genomes Project 0.00020; 1000 Genomes Project 30x 0.00031.

Submission:

Labcorp Genetics (formerly Invitae), Labcorp
Classification: Uncertain significance. Last evaluated: 2022-06-03. Review status: criteria provided, single submitter. Criteria: Invitae Variant Classification Sherloc (09022015). Collection method: clinical testing. Allele origin: germline.
Comment: This sequence change replaces methionine, which is neutral and non-polar, with valine, which is neutral and non-polar, at codon 1742 of the FAT1 protein (p.Met1742Val). This variant is present in population databases (rs561622158, gnomAD 0.003%). In summary, the available evidence is currently insufficient to determine the role of this variant in disease. Therefore, it has been classified as a Variant of Uncertain Significance. Algorithms developed to predict the effect of missense changes on protein structure and function are either unavailable or do not agree on the potential impact of this missense change (SIFT: "Deleterious"; PolyPhen-2: "Probably Damaging"; Align-GVGD: "Class C15"). This variant has not been reported in the literature in individuals affected with FAT1-related conditions.

NM_005245.4(FAT1):c.5224A>G (p.Met1742Val)

Gene: FAT1 (FAT atypical cadherin 1; minus strand). Cytogenetic location: 4q35.2.
Variant type: single nucleotide variant.
Coding change: c.5224A>G on transcript NM_005245.4 (MANE Select); coding-DNA position 5224, A replaced by G.
Protein change: p.Met1742Val; replaces methionine 1742 with valine.
Molecular consequence: missense variant.
Genome position (GRCh38, 1-based): chr4:186,621,362, T>C on the plus strand (A>G on the coding strand, the complement: FAT1 is on the minus strand). VCF-style: chr4-186621362-T-C. GRCh37 (hg19) VCF-style: chr4-187542516-T-C.
Other names: short protein forms M1742V.
Identifiers: ClinVar variation 1945699 (VCV001945699.5), dbSNP rs561622158, ClinGen allele CA112157250.